The following is an entry in ClinVar:

ClinVar aggregate classification (germline): Uncertain significance (1 of 4 stars; one submission).

Conditions:
Inborn genetic diseases. Identifiers: MedGen C0950123, MeSH D030342.

Submission:

Ambry Genetics
Classification: Uncertain significance for Inborn genetic diseases. Last evaluated: 2025-01-13. Review status: criteria provided, single submitter. Criteria: Ambry Variant Classification Scheme 2023. Collection method: clinical testing. Allele origin: germline.
Comment: The p.H352D variant (also known as c.1054C>G), located in coding exon 12 of the FANCA gene, results from a C to G substitution at nucleotide position 1054. The histidine at codon 352 is replaced by aspartic acid, an amino acid with similar properties. This amino acid position is conserved. In addition, this alteration is predicted to be tolerated by in silico analysis. Based on the available evidence, the clinical significance of this variant remains unclear.

NM_000135.4(FANCA):c.1054C>G (p.His352Asp)

Gene: FANCA (FA complementation group A; minus strand). Cytogenetic location: 16q24.3.
Variant type: single nucleotide variant.
Coding change: c.1054C>G on transcript NM_000135.4 (MANE Select); coding-DNA position 1054, C replaced by G.
Protein change: p.His352Asp; replaces histidine 352 with aspartic acid.
Molecular consequence: missense variant.
Genome position (GRCh38, 1-based): chr16:89,792,500, G>C on the plus strand (C>G on the coding strand, the complement: FANCA is on the minus strand). VCF-style: chr16-89792500-G-C. GRCh37 (hg19) VCF-style: chr16-89858908-G-C.
Other names: c.1054C>G, p.His352Asp (NM_001286167.3); short protein forms H352D.
Identifiers: ClinVar variation 3848107 (VCV003848107.1).
Genomic context (GRCh38, chr16:89,792,500, plus strand): 5'-CAGAAGCAGGTATAATACCACATCCACTCACCCTGCGGTACAGTGAGGTGAGCAGAGGGT[G>C]TGTCCGCGCAAAGCTCCACTCTCTCTGCATCTGAACAGCATCAGATGCTGCAGGGGGAGA-3'
Protein context (NP_000126.2, residues 342-362): MQREWSFART[His352Asp]PLLTSLYRRL